The following is an entry in ClinVar:

NM_003079.5(SMARCE1):c.517A>G (p.Ile173Val)

Gene: SMARCE1 (SWI/SNF related BAF chromatin remodeling complex subunit E1; minus strand). Cytogenetic location: 17q21.2.
Variant type: single nucleotide variant.
Coding change: c.517A>G on transcript NM_003079.5 (MANE Select); coding-DNA position 517, A replaced by G.
Protein change: p.Ile173Val; replaces isoleucine 173 with valine.
Molecular consequence: missense variant.
Genome position (GRCh38, 1-based): chr17:40,635,955, T>C on the plus strand (A>G on the coding strand, the complement: SMARCE1 is on the minus strand). VCF-style: chr17-40635955-T-C. GRCh37 (hg19) VCF-style: chr17-38792207-T-C.
Other names: short protein forms I173V.
Identifiers: ClinVar variation 937487 (VCV000937487.12), dbSNP rs2037142228, ClinGen allele CA399366263.

ClinVar aggregate classification (germline): Conflicting classifications of pathogenicity. Review status: criteria provided, conflicting classifications (1 of 4 stars). 2 submissions from 2 submitters: Uncertain significance (1); Likely benign (1). Last evaluated 2024-09-30.

Conditions:
Hereditary cancer-predisposing syndrome. Also called: Tumor predisposition; Hereditary neoplastic syndrome; Hereditary Cancer Syndrome; Neoplastic Syndromes, Hereditary. Identifiers: Orphanet 140162, MedGen C0027672, MeSH D009386, MONDO:0015356.
Familial meningioma. Also called: Meningioma, familial, susceptibility to. Identifiers: Orphanet 263662, MedGen C3551915, MONDO:0011789, OMIM 607174.

Allele frequency attached by ClinVar (database versions not stated): TOPMed below 0.00001; gnomAD 0.00001.
gnomAD v4.1: 6 of 1,589,014 alleles (0.00038%); highest among the groups gnomAD compares: African/African-American, 0.0014%; no homozygotes.

Submissions (2):

Labcorp Genetics (formerly Invitae), Labcorp
Classification: Uncertain significance for Familial meningioma. Last evaluated: 2024-09-30. Review status: criteria provided, single submitter. Criteria: Invitae Variant Classification Sherloc (09022015). Collection method: clinical testing. Allele origin: germline.
Comment: This sequence change replaces isoleucine, which is neutral and non-polar, with valine, which is neutral and non-polar, at codon 173 of the SMARCE1 protein (p.Ile173Val). This variant is not present in population databases (gnomAD no frequency). This variant has not been reported in the literature in individuals affected with SMARCE1-related conditions. ClinVar contains an entry for this variant (Variation ID: 937487). Invitae Evidence Modeling of protein sequence and biophysical properties (such as structural, functional, and spatial information, amino acid conservation, physicochemical variation, residue mobility, and thermodynamic stability) indicates that this missense variant is expected to disrupt SMARCE1 protein function with a positive predictive value of 80%. In summary, the available evidence is currently insufficient to determine the role of this variant in disease. Therefore, it has been classified as a Variant of Uncertain Significance.

Ambry Genetics
Classification: Likely benign for Hereditary cancer-predisposing syndrome. Last evaluated: 2020-11-06. Review status: criteria provided, single submitter. Criteria: Ambry Variant Classification Scheme 2023. Collection method: clinical testing. Allele origin: germline.